The following is an entry in ClinVar:

NM_182914.3(SYNE2):c.15187A>C (p.Lys5063Gln)

Gene: SYNE2 (spectrin repeat containing nuclear envelope protein 2; plus strand). Cytogenetic location: 14q23.2.
Variant type: single nucleotide variant.
Coding change: c.15187A>C on transcript NM_182914.3 (MANE Select); coding-DNA position 15187, A replaced by C.
Protein change: p.Lys5063Gln; replaces lysine 5063 with glutamine.
Molecular consequence: missense variant.
Genome position (GRCh38, 1-based): chr14:64,141,969, A>C. VCF-style: chr14-64141969-A-C. GRCh37 (hg19) VCF-style: chr14-64608687-A-C.
Other names: c.15187A>C, p.Lys5063Gln (NM_015180.6); short protein forms K5063Q.
Identifiers: ClinVar variation 570052 (VCV000570052.12), dbSNP rs746864967, ClinGen allele CA7223015.

ClinVar aggregate classification (germline): Conflicting classifications of pathogenicity. Review status: criteria provided, conflicting classifications (1 of 4 stars). 3 submissions from 3 submitters: Uncertain significance (2); Likely benign (1). Last evaluated 2026-09-01.

Conditions:
Emery-Dreifuss muscular dystrophy 5, autosomal dominant (EDMD5). Also called: EMERY-DREIFUSS MUSCULAR DYSTROPHY 5. Identifiers: Orphanet 261, MedGen C2751805, MONDO:0013072, OMIM 612999.

Allele frequency attached by ClinVar (database versions not stated): ExAC 0.00003; gnomAD exomes 0.00004 and 0.00002; gnomAD 0.00001.
gnomAD v4.1: 62 of 1,614,012 alleles (0.0038%); highest among the groups gnomAD compares: Middle Eastern, 0.016%; no homozygotes.

Submissions (3):

CeGaT Center for Human Genetics Tuebingen
Classification: Likely benign. Last evaluated: 2026-09-01. Review status: criteria provided, single submitter. Criteria: CeGaT Center For Human Genetics Tuebingen Variant Classification Criteria Version 2. Collection method: clinical testing. Allele origin: germline. Affected: yes. Observed: 1 variant allele.
Comment: SYNE2: BP4

Labcorp Genetics (formerly Invitae), Labcorp
Classification: Uncertain significance for Emery-Dreifuss muscular dystrophy 5, autosomal dominant. Last evaluated: 2023-11-24. Review status: criteria provided, single submitter. Criteria: Invitae Variant Classification Sherloc (09022015). Collection method: clinical testing. Allele origin: germline.
Comment: This sequence change replaces lysine, which is basic and polar, with glutamine, which is neutral and polar, at codon 5063 of the SYNE2 protein (p.Lys5063Gln). This variant is present in population databases (rs746864967, gnomAD 0.005%). This variant has not been reported in the literature in individuals affected with SYNE2-related conditions. ClinVar contains an entry for this variant (Variation ID: 570052). An algorithm developed to predict the effect of missense changes on protein structure and function (PolyPhen-2) suggests that this variant is likely to be tolerated. In summary, the available evidence is currently insufficient to determine the role of this variant in disease. Therefore, it has been classified as a Variant of Uncertain Significance.

Revvity Omics, Revvity
Classification: Uncertain significance for Emery-Dreifuss muscular dystrophy 5, autosomal dominant. Last evaluated: 2019-09-13. Review status: criteria provided, single submitter. Criteria: ACMG Guidelines, 2015. Collection method: clinical testing. Allele origin: germline.